The following is an entry in ClinVar:

NM_001848.3(COL6A1):c.2434+14_2434+15inv

Gene: COL6A1 (collagen type VI alpha 1 chain; plus strand). Cytogenetic location: 21q22.3.
Variant type: Inversion.
Coding change: c.2434+14_2434+15inv on transcript NM_001848.3 (MANE Select).
Molecular consequence: intron variant.
Genome position: GRCh38 VCF-style: chr21-46002724-CA-TG. GRCh37 (hg19) VCF-style: chr21-47422638-CA-TG.
Identifiers: ClinVar variation 2146352 (VCV002146352.4), ClinGen allele CA2580098978.

ClinVar aggregate classification (germline): Uncertain significance (1 of 4 stars; one submission).

Conditions:
Bethlem myopathy 1A. Also called: Bethlem Muscular Dystrophy; Bethlem myopathy 1; MYOPATHY, BENIGN CONGENITAL, WITH CONTRACTURES. Identifiers: Orphanet 610, MedGen CN029274, MONDO:0024530, OMIM 158810.

Submission:

Labcorp Genetics (formerly Invitae), Labcorp
Classification: Uncertain significance for Bethlem myopathy 1A. Last evaluated: 2025-07-21. Review status: criteria provided, single submitter. Criteria: Invitae Variant Classification Sherloc (09022015). Collection method: clinical testing. Allele origin: germline.
Comment: This sequence change falls in intron 33 of the COL6A1 gene. It does not directly change the encoded amino acid sequence of the COL6A1 protein. Information on the frequency of this variant in the gnomAD database is not available, as this variant may be reported differently in the database. This variant has not been reported in the literature in individuals affected with COL6A1-related conditions. ClinVar contains an entry for this variant (Variation ID: 2146352). Experimental studies and prediction algorithms are not available or were not evaluated, and the effect of this variant on mRNA splicing is currently unknown. In summary, the available evidence is currently insufficient to determine the role of this variant in disease. Therefore, it has been classified as a Variant of Uncertain Significance.